The following is an entry in ClinVar:

ClinVar aggregate classification (germline): Uncertain significance (1 of 4 stars; one submission).

Conditions:
Emery-Dreifuss muscular dystrophy 4, autosomal dominant (EDMD4). Also called: EMERY-DREIFUSS MUSCULAR DYSTROPHY 4 WITH VARIABLE FEATURES. Identifiers: Orphanet 261, MedGen C2751807, MONDO:0013071, OMIM 612998.
Autosomal recessive ataxia, Beauce type. Also called: Spinocerebellar ataxia, autosomal recessive 8; ATAXIA, RECESSIVE, OF BEAUCE; SYNE1-Related Autosomal Recessive Cerebellar Ataxia; SYNE1 Deficiency. Identifiers: Orphanet 88644, MedGen C1853116, MONDO:0012549, OMIM 610743.

Submission:

Labcorp Genetics (formerly Invitae), Labcorp
Classification: Uncertain significance for Emery-Dreifuss muscular dystrophy 4, autosomal dominant; Autosomal recessive ataxia, Beauce type. Last evaluated: 2018-08-17. Review status: criteria provided, single submitter. Criteria: Invitae Variant Classification Sherloc (09022015). Collection method: clinical testing. Allele origin: germline.
Comment: This sequence change replaces leucine with proline at codon 1313 of the SYNE1 protein (p.Leu1313Pro). The leucine residue is moderately conserved and there is a moderate physicochemical difference between leucine and proline. Algorithms developed to predict the effect of missense changes on protein structure and function are either unavailable or do not agree on the potential impact of this missense change (SIFT: "Deleterious"; PolyPhen-2: "Benign"; Align-GVGD: "Class C0"). This variant has not been reported in the literature in individuals with SYNE1-related disease. This variant is not present in population databases (ExAC no frequency). In summary, the available evidence is currently insufficient to determine the role of this variant in disease. Therefore, it has been classified as a Variant of Uncertain Significance.

NM_182961.4(SYNE1):c.3917T>C (p.Leu1306Pro)

Gene: SYNE1 (spectrin repeat containing nuclear envelope protein 1; minus strand). Cytogenetic location: 6q25.2.
Variant type: single nucleotide variant.
Coding change: c.3917T>C on transcript NM_182961.4 (MANE Select); coding-DNA position 3917, T replaced by C.
Protein change: p.Leu1306Pro; replaces leucine 1306 with proline.
Molecular consequence: missense variant.
Genome position (GRCh38, 1-based): chr6:152,442,166, A>G on the plus strand (T>C on the coding strand, the complement: SYNE1 is on the minus strand). VCF-style: chr6-152442166-A-G. GRCh37 (hg19) VCF-style: chr6-152763301-A-G.
Other names: c.3938T>C, p.Leu1313Pro (NM_033071.5); short protein forms L1313P, L1306P.
Identifiers: ClinVar variation 663668 (VCV000663668.8), dbSNP rs1417438989, ClinGen allele CA366146816.